The following is an entry in ClinVar:

NM_007254.4(PNKP):c.1087G>A (p.Ala363Thr)

Gene: PNKP (polynucleotide kinase 3'-phosphatase; minus strand). Cytogenetic location: 19q13.33.
Variant type: single nucleotide variant.
Coding change: c.1087G>A on transcript NM_007254.4 (MANE Select); coding-DNA position 1087, G replaced by A.
Protein change: p.Ala363Thr; replaces alanine 363 with threonine.
Molecular consequence: missense variant.
Genome position (GRCh38, 1-based): chr19:49,862,224, C>T on the plus strand (G>A on the coding strand, the complement: PNKP is on the minus strand). VCF-style: chr19-49862224-C-T. GRCh37 (hg19) VCF-style: chr19-50365481-C-T.
Other names: short protein forms A363T.
Identifiers: ClinVar variation 1362867 (VCV001362867.5), dbSNP rs1187151464, ClinGen allele CA406879780.
Genomic context (GRCh38, chr19:49,862,224, plus strand): 5'-GCACAGGAACAGGACACTTACCCCCAGGGAATCCCACTGCGACAACCACCTCCGGGCTGG[C>T]GCTCAGGAGGGCCCTGGACTCGGGGAGGCAGAGAGGCCCTGAGCGGGAGACAGTCCTCTG-3'
Protein context (NP_009185.2, residues 353-373): CLPESRALLS[Ala363Thr]SPEVVVAVGF

ClinVar aggregate classification (germline): Uncertain significance (1 of 4 stars; one submission).

Conditions:
Developmental and epileptic encephalopathy, 12 (DEE12). Identifiers: MedGen C3150988, MONDO:0013389, OMIM 613722.

Allele frequency attached by ClinVar (database versions not stated): gnomAD exomes below 0.00001 and 0.00001.
gnomAD v4.1: 8 of 1,612,746 alleles (0.0005%); highest among the groups gnomAD compares: Admixed American, 0.0017%; no homozygotes.

Submission:

Labcorp Genetics (formerly Invitae), Labcorp
Classification: Uncertain significance for Developmental and epileptic encephalopathy, 12. Last evaluated: 2021-08-26. Review status: criteria provided, single submitter. Criteria: Invitae Variant Classification Sherloc (09022015). Collection method: clinical testing. Allele origin: germline.
Comment: This sequence change replaces alanine with threonine at codon 363 of the PNKP protein (p.Ala363Thr). The alanine residue is weakly conserved and there is a small physicochemical difference between alanine and threonine. This variant is not present in population databases (ExAC no frequency). This variant has not been reported in the literature in individuals affected with PNKP-related conditions. Algorithms developed to predict the effect of missense changes on protein structure and function output the following: SIFT: "Tolerated"; PolyPhen-2: "Benign"; Align-GVGD: "Class C0". The threonine amino acid residue is found in multiple mammalian species, which suggests that this missense change does not adversely affect protein function. In summary, the available evidence is currently insufficient to determine the role of this variant in disease. Therefore, it has been classified as a Variant of Uncertain Significance.